The following is an entry in ClinVar:

NM_007294.4(BRCA1):c.213-1G>A

Gene: BRCA1 (BRCA1 DNA repair associated; minus strand). Cytogenetic location: 17q21.31.
Variant type: single nucleotide variant.
Coding change: c.213-1G>A on transcript NM_007294.4 (MANE Select); the canonical splice acceptor site of the intron before coding-DNA position 213, G replaced by A.
Molecular consequence: splice acceptor variant. On other transcripts: intron variant (2).
Genome position (GRCh38, 1-based): chr17:43,104,957, C>T on the plus strand (G>A on the coding strand, the complement: BRCA1 is on the minus strand). VCF-style: chr17-43104957-C-T. GRCh37 (hg19) VCF-style: chr17-41256974-C-T.
Other names: IVS5-1G>A; c.72-1G>A (NM_001408458.1, NM_001407931.1, NM_001407747.1 and 99 more transcripts); c.-218-10097G>A (NM_001407967.1, NM_001407966.1); c.-169-1G>A (NM_001407959.1, NM_001407962.1, NM_001408512.1 and 4 more transcripts); c.3-1G>A (NM_001407885.1, NM_001407886.1, NM_001407898.1 and 58 more transcripts); c.213-1G>A (NM_001407686.1, NM_001408397.1, NM_001407632.1 and 167 more transcripts); c.81-1G>A (NM_001408451.1); c.135-1G>A (NM_001408475.1, NM_001407875.1, NM_001407659.1 and 21 more transcripts).
Identifiers: ClinVar variation 54472 (VCV000054472.16), dbSNP rs80358146, ClinGen allele CA001430.

ClinVar aggregate classification (germline): Pathogenic. Review status: criteria provided, multiple submitters, no conflicts (2 of 4 stars). 5 submissions from 5 submitters: Pathogenic (4). 1 of the submissions does not count toward it. Last evaluated 2021-07-29.

Conditions:
Breast neoplasm. Also called: Neoplasm of breast; Breast tumor; Neoplasm of the breast; Breast Neoplasms. Identifiers: MedGen C1458155, MeSH D001943, MONDO:0021100, HP:0100013. Disease mechanism: gain of function.
Hereditary cancer-predisposing syndrome. Also called: Tumor predisposition; Neoplastic Syndromes, Hereditary; Hereditary Cancer Syndrome; Hereditary neoplastic syndrome. Identifiers: Orphanet 140162, MedGen C0027672, MeSH D009386, MONDO:0015356.
Hereditary breast ovarian cancer syndrome. Also called: Hereditary breast and ovarian cancer syndrome (HBOC); Hereditary breast and ovarian cancer syndrome; Hereditary breast and ovarian cancer; Hereditary breast and/or ovarian cancer syndrome; Breast and ovarian cancer; BRCA1- and BRCA2-Associated Hereditary Breast and Ovarian Cancer. Identifiers: Orphanet 145, MedGen C0677776, MeSH D061325, MONDO:0003582. Disease mechanism: loss of function.
Breast-ovarian cancer, familial, susceptibility to, 1 (BROVCA1). Also called: OVARIAN CANCER, SUSCEPTIBILITY TO; BRCA1 Hereditary Breast and Ovarian Cancer. Identifiers: Orphanet 145, MedGen C2676676, MONDO:0011450, OMIM 604370. Disease mechanism: loss of function.

Submissions (6):

Labcorp Genetics (formerly Invitae), Labcorp
Classification: Pathogenic for Hereditary breast ovarian cancer syndrome. Last evaluated: 2021-07-29. Review status: criteria provided, single submitter. Criteria: Invitae Variant Classification Sherloc (09022015). Collection method: clinical testing. Allele origin: germline.
Comment: ClinVar contains an entry for this variant (Variation ID: 54472). Experimental studies have shown that disruption of this splice site affects BRCA1 protein function (PMID: 30209399). Studies have shown that disruption of this splice site alters mRNA splicing and is expected to lead to the loss of protein expression (PMID: 24667779). For these reasons, this variant has been classified as Pathogenic. This sequence change affects an acceptor splice site in intron 4 of the BRCA1 gene. It is expected to disrupt RNA splicing. Variants that disrupt the donor or acceptor splice site typically lead to a loss of protein function (PMID: 16199547), and loss-of-function variants in BRCA1 are known to be pathogenic (PMID: 20104584). This variant is not present in population databases (ExAC no frequency). Disruption of this splice site has been observed in individual(s) with breast and/or ovarian cancer (PMID: 16683254, 27257965).

Ambry Genetics
Classification: Pathogenic for Hereditary cancer-predisposing syndrome. Last evaluated: 2021-01-06. Review status: criteria provided, single submitter. Criteria: Ambry Variant Classification Scheme 2023. Collection method: clinical testing. Allele origin: germline.
Comment: The c.213-1G>A (also known as IVS5-1G>A) intronic pathogenic mutation results from a G to A substitution one nucleotide before coding exon 4 of the BRCA1 gene. This mutation has been identified multiple, ethnically diverse cohorts of families suspected of having HBOC (van der Hout A et al. Hum Mutat. 2006 Jul;27(7):654-66; Park JS et al. Cancer Res Treat, 2017 Oct;49:1012-1021; Rebbeck TR et al. Hum Mutat, 2018 05;39:593-620). One functional study found that this nucleotide substitution is non-functional in a high throughput, genome editing, haploid cell survival assay (Findlay GM et al. Nature, 2018 10;562:217-222). RNA studies show that this alteration results in the use of a cryptic splice site located 59 bp upstream of coding exon 4, similar to other pathogenic mutations located at this acceptor site: BRCA1 c.213-5T>A and BRCA1 c.213-11T>G (Ambry Internal Data; Steffensen A et al. Eur J Hum Genet. 2014 Dec;22(12):1362-8; Colombo M et al. PLoS One. 2013;8(2):e57173). Alterations that disrupt the canonical splice site are expected to cause aberrant splicing, resulting in an abnormal protein or a transcript that is subject to nonsense-mediated mRNA decay. As such, this alteration is classified as a disease-causing mutation.

Laboratory of Molecular Diagnosis of Cancer, West China Hospital, Sichuan University
Classification: Pathogenic for Breast neoplasm. Last evaluated: 2015-11-01. Review status: criteria provided, single submitter. Criteria: ACMG Guidelines, 2015. Collection method: research. Allele origin: somatic. Affected: yes. Observed: 1 variant allele.

Consortium of Investigators of Modifiers of BRCA1/2 (CIMBA), c/o University of Cambridge
Classification: Pathogenic for Breast-ovarian cancer, familial, susceptibility to, 1. Last evaluated: 2015-10-02. Review status: criteria provided, single submitter. Criteria: CIMBA Mutation Classification guidelines May 2016. Collection method: clinical testing. Allele origin: germline.

Breast Cancer Information Core (BIC) (BRCA1)
Classification: Pathogenic for Breast-ovarian cancer, familial 1. Last evaluated: 2002-05-29. Review status: no assertion criteria provided. Collection method: clinical testing. Allele origin: germline. Affected: yes. Observed: 3 variant alleles. Not counted in ClinVar's aggregate classification.

Brotman Baty Institute, University of Washington
No classification provided (evidence only). Condition: Breast-ovarian cancer, familial 1. Review status: no classification provided. Collection method: in vitro. Allele origin: not applicable. Functional consequence: functionally_abnormal. Not counted in ClinVar's aggregate classification.
ClinVar note: "not provided" was previously submitted as the classification for the variant. However, the classification appeared to be based only on an observation of functional data so it was converted to no classification on 2025-07-30.

Literature cited by the submitters: PubMed 30209399 (cited by Labcorp Genetics (formerly Invitae), Labcorp and Ambry Genetics); PubMed 24667779 (cited by Labcorp Genetics (formerly Invitae), Labcorp and Ambry Genetics); PubMed 16199547 (cited by Labcorp Genetics (formerly Invitae), Labcorp); PubMed 20104584 (cited by Labcorp Genetics (formerly Invitae), Labcorp); PubMed 16683254 (cited by Labcorp Genetics (formerly Invitae), Labcorp and Ambry Genetics); PubMed 27257965 (cited by Labcorp Genetics (formerly Invitae), Labcorp and Laboratory of Molecular Diagnosis of Cancer, West China Hospital, Sichuan University); PubMed 28111427 (cited by Ambry Genetics); PubMed 29446198 (cited by Ambry Genetics).